The following is an entry in ClinVar:

ClinVar aggregate classification (germline): Benign/Likely benign. Review status: criteria provided, multiple submitters, no conflicts (2 of 4 stars). 5 submissions from 5 submitters: Benign (1); Likely benign (3). 1 of the submissions does not count toward it. Last evaluated 2026-01-25.

Conditions:
Polycystic kidney disease 4 (PKD4). Also called: POLYCYSTIC KIDNEY AND HEPATIC DISEASE 1; POLYCYSTIC KIDNEY DISEASE, INFANTILE, TYPE I; POLYCYSTIC KIDNEY DISEASE 4 WITH OR WITHOUT POLYCYSTIC LIVER DISEASE; Autosomal Recessive Polycystic Kidney Disease – PKHD1; PKD3. Identifiers: MedGen C4540575, MONDO:0033004, OMIM 263200.
Autosomal recessive polycystic kidney disease (ARPKD). Also called: AR polycystic kidney disease. Identifiers: Orphanet 731, Orphanet 8378, MedGen C0085548, MeSH D017044, MONDO:0009889.

Allele frequency attached by ClinVar (database versions not stated): 1000 Genomes Project 30x 0.00016; 1000 Genomes Project 0.00020; ESP Exome Variant Server 0.00023; gnomAD exomes 0.00031 and 0.00050; TOPMed 0.00036; gnomAD 0.00040 and 0.00042; ExAC 0.00055.
gnomAD v4.1: 539 of 1,583,284 alleles (0.034%); highest among the groups gnomAD compares: Middle Eastern, 0.37%; 2 homozygotes.

Submissions (5):

Labcorp Genetics (formerly Invitae), Labcorp
Classification: Benign for Autosomal recessive polycystic kidney disease. Last evaluated: 2026-01-25. Review status: criteria provided, single submitter. Criteria: Invitae Variant Classification Sherloc (09022015). Collection method: clinical testing. Allele origin: germline.

CeGaT Center for Human Genetics Tuebingen
Classification: Likely benign. Last evaluated: 2025-11-01. Review status: criteria provided, single submitter. Criteria: CeGaT Center For Human Genetics Tuebingen Variant Classification Criteria Version 2. Collection method: clinical testing. Allele origin: germline. Affected: yes. Observed: 1 variant allele.
Comment: PKHD1: BS2

Women's Health and Genetics/Laboratory Corporation of America, LabCorp
Classification: Likely benign. Last evaluated: 2025-01-09. Review status: criteria provided, single submitter. Criteria: LabCorp Variant Classification Summary - May 2015. Collection method: clinical testing. Allele origin: germline.
Comment: Variant summary: PKHD1 c.7911+19T>C alters a conserved nucleotide located at a position not widely known to affect splicing. Consensus agreement among computation tools predict no significant impact on normal splicing. However, these predictions have yet to be confirmed by functional studies. The variant allele was found at a frequency of 0.00033 in 1576366 control chromosomes in the gnomAD database, including 2 homozygotes. This frequency is not higher than the maximum estimated for a pathogenic variant in PKHD1 causing Polycystic Kidney And Hepatic Disease (0.0071). The variant, c.7911+19T>C, has been reported in the literature in individuals affected with polycystic kidney disease (e.g. Sharp_2005, Nigro_2023), however, no supportive evidence for causality was provided. These reports do not provide unequivocal conclusions about association of the variant with Polycystic Kidney And Hepatic Disease. To our knowledge, no experimental evidence demonstrating an impact on protein function has been reported. The following publications have been ascertained in the context of this evaluation (PMID: 15805161, 37372416). ClinVar contains an entry for this variant (Variation ID: 554778). Based on the evidence outlined above, the variant was classified as likely benign.

Blueprint Genetics
Classification: Likely benign. Last evaluated: 2024-11-27. Review status: criteria provided, single submitter. Criteria: ACMG Guidelines, 2015. Collection method: clinical testing. Allele origin: germline.

Counsyl
Classification: Uncertain significance for Polycystic kidney disease 4. Last evaluated: 2017-11-02. Review status: no assertion criteria provided. Collection method: clinical testing. Allele origin: unknown. Not counted in ClinVar's aggregate classification.

Literature cited by the submitters: PubMed 15805161 (cited by Women's Health and Genetics/Laboratory Corporation of America, LabCorp and Counsyl); PubMed 37372416 (cited by Women's Health and Genetics/Laboratory Corporation of America, LabCorp).

NM_138694.4(PKHD1):c.7911+19T>C

Gene: PKHD1 (PKHD1 ciliary IPT domain containing fibrocystin/polyductin; minus strand). Cytogenetic location: 6p12.2.
Variant type: single nucleotide variant.
Coding change: c.7911+19T>C on transcript NM_138694.4 (MANE Select); 19 bases into the intron after coding-DNA position 7911, T replaced by C.
Molecular consequence: intron variant.
Genome position (GRCh38, 1-based): chr6:51,855,874, A>G on the plus strand (T>C on the coding strand, the complement: PKHD1 is on the minus strand). VCF-style: chr6-51855874-A-G. GRCh37 (hg19) VCF-style: chr6-51720672-A-G.
Other names: c.7911+19T>C (NM_170724.3).
Identifiers: ClinVar variation 554778 (VCV000554778.21), dbSNP rs201017366, ClinGen allele CA3851798.